The following is an entry in ClinVar:

NM_178335.3(CCDC50):c.1429+54C>T

Gene: CCDC50 (coiled-coil domain containing 50; plus strand). Cytogenetic location: 3q28.
Variant type: single nucleotide variant.
Coding change: c.1429+54C>T on transcript NM_178335.3 (MANE Select); 54 bases into the intron after coding-DNA position 1429, C replaced by T.
Molecular consequence: intron variant.
Genome position (GRCh38, 1-based): chr3:191,389,656, C>T. VCF-style: chr3-191389656-C-T. GRCh37 (hg19) VCF-style: chr3-191107445-C-T.
Other names: c.901+54C>T (NM_174908.4).
Identifiers: ClinVar variation 682492 (VCV000682492.2), dbSNP rs74519151, ClinGen allele CA89782321.
Genomic context (GRCh38, chr3:191,389,656, plus strand): 5'-CATAAAGGTAAGAAGAGTATGTATGGTCAAGTTTAGGATCTTCTTTTTTTATATAAGCCT[C>T]GTGTTGTAGTGGAAAAATCAAATTCTGTGTTCCACTAGAGTGGAAAAATAAGTTATTCTG-3'

ClinVar aggregate classification (germline): Benign. Review status: criteria provided, multiple submitters, no conflicts (2 of 4 stars). 2 submissions from 2 submitters: Benign (2). Last evaluated 2018-06-14.

Allele frequency attached by ClinVar (database versions not stated): 1000 Genomes Project 30x 0.04591; 1000 Genomes Project 0.04613; TOPMed 0.05941; gnomAD 0.05989 and 0.06069.

Submissions (2):

GeneDx
Classification: Benign. Last evaluated: 2018-06-14. Review status: criteria provided, single submitter. Criteria: GeneDx Variant Classification (06012015). Collection method: clinical testing. Allele origin: germline. Affected: yes.
Comment: This variant is considered likely benign or benign based on one or more of the following criteria: it is a conservative change, it occurs at a poorly conserved position in the protein, it is predicted to be benign by multiple in silico algorithms, and/or has population frequency not consistent with disease.

Breakthrough Genomics
Classification: Benign. Review status: criteria provided, single submitter. Criteria: ACMG Guidelines, 2015. Collection method: not provided. Allele origin: germline. Inheritance: Autosomal dominant inheritance. Affected: yes.